The following is an entry in ClinVar:

ClinVar aggregate classification (germline): Uncertain significance (1 of 4 stars; one submission).

Conditions:
Autosomal dominant childhood-onset proximal spinal muscular atrophy with contractures (SMALED2A). Also called: SPINAL MUSCULAR ATROPHY, LOWER EXTREMITY-PREDOMINANT, 2A, CHILDHOOD ONSET, AUTOSOMAL DOMINANT; Spinal muscular atrophy, lower extremity-predominant, 2A, autosomal dominant. Identifiers: Orphanet 363447, Orphanet 363454, MedGen C4747715, MONDO:0014121, OMIM 615290.

Allele frequency attached by ClinVar (database versions not stated): gnomAD 0.00001; gnomAD exomes 0.00001; ExAC 0.00002.
gnomAD v4.1: 5 of 1,614,010 alleles (0.00031%); highest among the groups gnomAD compares: Admixed American, 0.0033%; no homozygotes.

Submission:

Labcorp Genetics (formerly Invitae), Labcorp
Classification: Uncertain significance for Autosomal dominant childhood-onset proximal spinal muscular atrophy with contractures. Last evaluated: 2026-01-25. Review status: criteria provided, single submitter. Criteria: Invitae Variant Classification Sherloc (09022015). Collection method: clinical testing. Allele origin: germline.
Comment: This sequence change replaces arginine, which is basic and polar, with histidine, which is basic and polar, at codon 647 of the BICD2 protein (p.Arg647His). This variant is present in population databases (rs774220760, gnomAD 0.006%). This variant has not been reported in the literature in individuals affected with BICD2-related conditions. ClinVar contains an entry for this variant (Variation ID: 1409853). Invitae Evidence Modeling of protein sequence and biophysical properties (such as structural, functional, and spatial information, amino acid conservation, physicochemical variation, residue mobility, and thermodynamic stability) indicates that this missense variant is not expected to disrupt BICD2 protein function with a negative predictive value of 80%. In summary, the available evidence is currently insufficient to determine the role of this variant in disease. Therefore, it has been classified as a Variant of Uncertain Significance.

NM_001003800.2(BICD2):c.1940G>A (p.Arg647His)

Gene: BICD2 (BICD cargo adaptor 2; minus strand). Cytogenetic location: 9q22.31.
Variant type: single nucleotide variant.
Coding change: c.1940G>A on transcript NM_001003800.2 (MANE Select); coding-DNA position 1940, G replaced by A.
Protein change: p.Arg647His; replaces arginine 647 with histidine.
Molecular consequence: missense variant.
Genome position (GRCh38, 1-based): chr9:92,718,705, C>T on the plus strand (G>A on the coding strand, the complement: BICD2 is on the minus strand). VCF-style: chr9-92718705-C-T. GRCh37 (hg19) VCF-style: chr9-95480987-C-T.
Other names: c.1940G>A, p.Arg647His (NM_015250.4); short protein forms R647H.
Identifiers: ClinVar variation 1409853 (VCV001409853.8), dbSNP rs774220760, ClinGen allele CA5126448.
Genomic context (GRCh38, chr9:92,718,705, plus strand): 5'-TTGTCCACGGCGGGGCCCAGCTCCTGAGAGGCAATGCGCTGGCGTGACAGCTCCGTGGTG[C>T]GGTCCACGGCTGCCTGCAGGTGCTTGATCTGGTCACGGATGATAGCGATCAGGTTGTAGA-3'
Protein context (NP_001003800.1, residues 637-657): QIKHLQAAVD[Arg647His]TTELSRQRIA